The following is an entry in ClinVar:

ClinVar aggregate classification (germline): Conflicting classifications of pathogenicity. Review status: criteria provided, conflicting classifications (1 of 4 stars). 3 submissions from 3 submitters: Uncertain significance (1); Likely benign (1). 1 of the submissions does not count toward it. Last evaluated 2025-12-03.

Conditions:
Primary ciliary dyskinesia 3. Identifiers: Orphanet 244, MedGen C1837618, MONDO:0012085, OMIM 608644.
Primary ciliary dyskinesia. Also called: Ciliary dyskinesia. Identifiers: Orphanet 244, MedGen C0008780, MONDO:0016575, HP:0012265.

Allele frequency attached by ClinVar (database versions not stated): TOPMed 0.00001; gnomAD exomes 0.00002.
gnomAD v4.1: 39 of 1,613,986 alleles (0.0024%); highest among the groups gnomAD compares: East Asian, 0.013%; 2 homozygotes.

Submissions (3):

Labcorp Genetics (formerly Invitae), Labcorp
Classification: Likely benign for Primary ciliary dyskinesia. Last evaluated: 2025-12-03. Review status: criteria provided, single submitter. Criteria: Invitae Variant Classification Sherloc (09022015). Collection method: clinical testing. Allele origin: germline.

Myriad Genetics, Inc.
Classification: Uncertain significance for Primary ciliary dyskinesia 3. Last evaluated: 2025-11-26. Review status: criteria provided, single submitter. Criteria: Myriad Autosomal Dominant, Autosomal Recessive and X-Linked Classification Criteria (2023). Collection method: clinical testing. Allele origin: unknown.
Comment: NM_001369.2(DNAH5):c.12151A>G(M4051V) is a missense variant classified as a variant of uncertain significance in the context of primary ciliary dyskinesia, DNAH5-related. M4051V has not been observed in cases with relevant disease. Relevant functional assessments of this variant are not available in the literature. M4051V has been observed in referenced population frequency databases. In summary, there is insufficient evidence to classify NM_001369.2(DNAH5):c.12151A>G(M4051V) as pathogenic or benign. Please note: this variant was assessed in the context of healthy population screening.

Natera, Inc.
Classification: Uncertain significance for Primary ciliary dyskinesia. Last evaluated: 2020-09-16. Review status: no assertion criteria provided. Collection method: clinical testing. Allele origin: germline. Not counted in ClinVar's aggregate classification.

NM_001369.3(DNAH5):c.12151A>G (p.Met4051Val)

Gene: DNAH5 (dynein axonemal heavy chain 5; minus strand). Cytogenetic location: 5p15.2.
Variant type: single nucleotide variant.
Coding change: c.12151A>G on transcript NM_001369.3 (MANE Select); coding-DNA position 12151, A replaced by G.
Protein change: p.Met4051Val; replaces methionine 4051 with valine.
Molecular consequence: missense variant.
Genome position (GRCh38, 1-based): chr5:13,721,128, T>C on the plus strand (A>G on the coding strand, the complement: DNAH5 is on the minus strand). VCF-style: chr5-13721128-T-C. GRCh37 (hg19) VCF-style: chr5-13721237-T-C.
Other names: short protein forms M4051V.
Identifiers: ClinVar variation 652636 (VCV000652636.20), dbSNP rs138162689, ClinGen allele CA3201724.